The following is an entry in ClinVar:

ClinVar aggregate classification (germline): Uncertain significance. Review status: criteria provided, multiple submitters, no conflicts (2 of 4 stars). 4 submissions from 4 submitters: Uncertain significance (4). Last evaluated 2025-06-29.

Conditions:
Hereditary cancer-predisposing syndrome. Also called: Neoplastic Syndromes, Hereditary; Tumor predisposition; Hereditary Cancer Syndrome; Hereditary neoplastic syndrome. Identifiers: Orphanet 140162, MedGen C0027672, MeSH D009386, MONDO:0015356.
Bloom syndrome (BLM). Also called: Bloom-Torre-Machacek syndrome. Identifiers: Orphanet 125, MedGen C0005859, MONDO:0008876, OMIM 210900.

Allele frequency attached by ClinVar (database versions not stated): ExAC 0.00001; gnomAD 0.00001 and 0.00002; gnomAD exomes 0.00001.
gnomAD v4.1: 7 of 1,613,698 alleles (0.00043%); highest among the groups gnomAD compares: East Asian, 0.0067%; no homozygotes.

Submissions (4):

Labcorp Genetics (formerly Invitae), Labcorp
Classification: Uncertain significance for Bloom syndrome. Last evaluated: 2025-06-29. Review status: criteria provided, single submitter. Criteria: Invitae Variant Classification Sherloc (09022015). Collection method: clinical testing. Allele origin: germline.
Comment: This sequence change replaces threonine, which is neutral and polar, with methionine, which is neutral and non-polar, at codon 830 of the BLM protein (p.Thr830Met). This variant is present in population databases (rs759545027, gnomAD 0.003%). This variant has not been reported in the literature in individuals affected with BLM-related conditions. ClinVar contains an entry for this variant (Variation ID: 1337765). Invitae Evidence Modeling of protein sequence and biophysical properties (such as structural, functional, and spatial information, amino acid conservation, physicochemical variation, residue mobility, and thermodynamic stability) indicates that this missense variant is expected to disrupt BLM protein function with a positive predictive value of 80%. In summary, the available evidence is currently insufficient to determine the role of this variant in disease. Therefore, it has been classified as a Variant of Uncertain Significance.

Ambry Genetics
Classification: Uncertain significance for Hereditary cancer-predisposing syndrome. Last evaluated: 2023-08-25. Review status: criteria provided, single submitter. Criteria: Ambry Variant Classification Scheme 2023. Collection method: clinical testing. Allele origin: germline.
Comment: The p.T830M variant (also known as c.2489C>T), located in coding exon 11 of the BLM gene, results from a C to T substitution at nucleotide position 2489. The threonine at codon 830 is replaced by methionine, an amino acid with similar properties. This amino acid position is highly conserved in available vertebrate species. In addition, this alteration is predicted to be deleterious by in silico analysis. Since supporting evidence is limited at this time, the clinical significance of this alteration remains unclear.

Genetic Services Laboratory, University of Chicago
Classification: Uncertain significance. Last evaluated: 2020-10-29. Review status: criteria provided, single submitter. Criteria: ACMG Guidelines, 2015. Collection method: clinical testing. Allele origin: germline. Affected: no.
Comment: DNA sequence analysis of the BLM gene demonstrated a sequence change, c.2489C>T, in exon 12 that results in an amino acid change, p.Thr830Met. This sequence change does not appear to have been previously described in patients with BLM-related disorders. This sequence change has been described in two individuals in the gnomAD population database (dbSNP rs759545027). The p.Thr830Met change affects highly conserved amino acid residue located in the helicase domain of the BLM protein. In-silico pathogenicity prediction tools (SIFT, PolyPhen2, Align GVGD, REVEL) provide contradictory results for the p.Thr830Met substitution. Due to these contrasting evidences and the lack of functional studies, the clinical significance of the p.Thr830Met change remains unknown at this time.

Breakthrough Genomics
Classification: Uncertain significance. Review status: criteria provided, single submitter. Criteria: ACMG Guidelines, 2015. Collection method: not provided. Allele origin: germline. Inheritance: Autosomal recessive inheritance. Affected: yes.

NM_000057.4(BLM):c.2489C>T (p.Thr830Met)

Gene: BLM (BLM RecQ like helicase; plus strand). Cytogenetic location: 15q26.1.
Variant type: single nucleotide variant.
Coding change: c.2489C>T on transcript NM_000057.4 (MANE Select); coding-DNA position 2489, C replaced by T.
Protein change: p.Thr830Met; replaces threonine 830 with methionine.
Molecular consequence: missense variant.
Genome position (GRCh38, 1-based): chr15:90,769,520, C>T. VCF-style: chr15-90769520-C-T. GRCh37 (hg19) VCF-style: chr15-91312750-C-T.
Other names: c.2489C>T, p.Thr830Met (NM_001287246.2, NM_001287247.2); c.1364C>T, p.Thr455Met (NM_001287248.2); short protein forms T455M, T830M.
Identifiers: ClinVar variation 1337765 (VCV001337765.12), dbSNP rs759545027, ClinGen allele CA7738789.